The following is an entry in ClinVar:

ClinVar aggregate classification (germline): Uncertain significance (1 of 4 stars; one submission).

Conditions:
Cardiovascular phenotype. Identifiers: MedGen CN230736.

Submission:

Ambry Genetics
Classification: Uncertain significance for Cardiovascular phenotype. Last evaluated: 2024-03-31. Review status: criteria provided, single submitter. Criteria: Ambry Variant Classification Scheme 2023. Collection method: clinical testing. Allele origin: germline.
Comment: The p.K340R variant (also known as c.1019A>G), located in coding exon 8 of the ABCG5 gene, results from an A to G substitution at nucleotide position 1019. The lysine at codon 340 is replaced by arginine, an amino acid with highly similar properties. This amino acid position is conserved. In addition, this alteration is predicted to be tolerated by in silico analysis. Based on the available evidence, the clinical significance of this alteration remains unclear.

NM_022436.3(ABCG5):c.1019A>G (p.Lys340Arg)

Genes: ABCG5 (ATP binding cassette subfamily G member 5; minus strand), DYNC2LI1 (dynein cytoplasmic 2 light intermediate chain 1; plus strand). Cytogenetic location: 2p21.
Variant type: single nucleotide variant.
Coding change: c.1019A>G on transcript NM_022436.3 (MANE Select); coding-DNA position 1019, A replaced by G.
Protein change: p.Lys340Arg; replaces lysine 340 with arginine.
Molecular consequence: missense variant. On other transcripts: intron variant (2).
Genome position (GRCh38, 1-based): chr2:43,824,318, T>C on the plus strand (A>G on the coding strand, the complement: ABCG5 is on the minus strand). VCF-style: chr2-43824318-T-C. GRCh37 (hg19) VCF-style: chr2-44051457-T-C.
Other names: c.*16-3068T>C (NM_001348913.2, NM_001348912.2); short protein forms K340R.
Identifiers: ClinVar variation 3309955 (VCV003309955.1).
Genomic context (GRCh38, chr2:43,824,318, plus strand): 5'-TCTTTGGTTTTGAAAGGAACCATTGGTAACGTTTTCAGGTGTTTCATTCTTTCAATATTC[T>C]TCAAAGTTTTATGACAAATTGCTGATTTCTTGTAGGCAGATTCTATCATCTGGACTCTCT-3'
Protein context (NP_071881.1, residues 330-350): KKSAICHKTL[Lys340Arg]NIERMKHLKT